The following is an entry in ClinVar:

ClinVar aggregate classification (germline): Uncertain significance (1 of 4 stars; one submission).

Conditions:
PEX13-related disorder. Also called: PEX13-related condition; PEX13-related disorders.

gnomAD v4.1: 1 of 1,613,958 alleles (0.000062%); highest among the groups gnomAD compares: Non-Finnish European, 0.000085%; no homozygotes.

Submission:

PreventionGenetics, part of Exact Sciences
Classification: Uncertain significance for PEX13-related condition. Last evaluated: 2026-06-03. Review status: criteria provided, single submitter. Criteria: ACMG Guidelines, 2015. Collection method: clinical testing. Allele origin: germline.
Comment: The PEX13 c.110C>T variant is predicted to result in the amino acid substitution p.Pro37Leu. To our knowledge, this variant has not been reported in the literature or in a large population database (gnomAD), indicating this variant is rare. At this time, the clinical significance of this variant is uncertain due to the absence of conclusive functional and genetic evidence.

NM_002618.4(PEX13):c.110C>T (p.Pro37Leu)

Gene: PEX13 (peroxisomal biogenesis factor 13; plus strand). Cytogenetic location: 2p15.
Variant type: single nucleotide variant.
Coding change: c.110C>T on transcript NM_002618.4 (MANE Select); coding-DNA position 110, C replaced by T.
Protein change: p.Pro37Leu; replaces proline 37 with leucine.
Molecular consequence: missense variant.
Genome position (GRCh38, 1-based): chr2:61,031,436, C>T. VCF-style: chr2-61031436-C-T. GRCh37 (hg19) VCF-style: chr2-61258571-C-T.
Other names: short protein forms P37L.
Identifiers: ClinVar variation 4996101 (VCV004996101.1).